The following is an entry in ClinVar:

ClinVar aggregate classification (germline): Uncertain significance. Review status: criteria provided, multiple submitters, no conflicts (2 of 4 stars). 2 submissions from 2 submitters: Uncertain significance (2). Last evaluated 2024-08-20.

Conditions:
Pyridoxine-dependent epilepsy (EPEO4). Also called: Pyridoxine-Dependent Seizures; Pyridoxine-Dependent Epilepsy - ALDH7A1; EPILEPSY, EARLY-ONSET, 4, VITAMIN B6-DEPENDENT; PYRIDOXINE DEPENDENCY WITH SEIZURES. Identifiers: Orphanet 3006, MedGen C1849508, MONDO:0009945, OMIM 266100. Disease mechanism: loss of function.

Allele frequency attached by ClinVar (database versions not stated): TOPMed 0.00001; gnomAD exomes 0.00002 and 0.00004; gnomAD 0.00003; ExAC 0.00006; ESP Exome Variant Server 0.00008.
gnomAD v4.1: 33 of 1,612,390 alleles (0.002%); highest among the groups gnomAD compares: Middle Eastern, 0.017%; no homozygotes.

Submissions (2):

Blueprint Genetics
Classification: Uncertain significance. Last evaluated: 2024-08-20. Review status: criteria provided, single submitter. Criteria: ACMG Guidelines, 2015. Collection method: clinical testing. Allele origin: germline.

Labcorp Genetics (formerly Invitae), Labcorp
Classification: Uncertain significance for Pyridoxine-dependent epilepsy. Last evaluated: 2022-07-26. Review status: criteria provided, single submitter. Criteria: Invitae Variant Classification Sherloc (09022015). Collection method: clinical testing. Allele origin: germline.
Comment: This sequence change replaces glycine, which is neutral and non-polar, with alanine, which is neutral and non-polar, at codon 219 of the ALDH7A1 protein (p.Gly219Ala). This variant is present in population databases (rs202084501, gnomAD 0.007%). This variant has not been reported in the literature in individuals affected with ALDH7A1-related conditions. ClinVar contains an entry for this variant (Variation ID: 651528). Advanced modeling of protein sequence and biophysical properties (such as structural, functional, and spatial information, amino acid conservation, physicochemical variation, residue mobility, and thermodynamic stability) performed at Invitae indicates that this missense variant is expected to disrupt ALDH7A1 protein function. Algorithms developed to predict the effect of sequence changes on RNA splicing suggest that this variant may disrupt the consensus splice site. In summary, the available evidence is currently insufficient to determine the role of this variant in disease. Therefore, it has been classified as a Variant of Uncertain Significance.

NM_001182.5(ALDH7A1):c.656G>C (p.Gly219Ala)

Gene: ALDH7A1 (aldehyde dehydrogenase 7 family member A1; minus strand). Cytogenetic location: 5q23.2.
Variant type: single nucleotide variant.
Coding change: c.656G>C on transcript NM_001182.5 (MANE Select); coding-DNA position 656, G replaced by C.
Protein change: p.Gly219Ala; replaces glycine 219 with alanine.
Molecular consequence: missense variant.
Genome position (GRCh38, 1-based): chr5:126,575,459, C>G on the plus strand (G>C on the coding strand, the complement: ALDH7A1 is on the minus strand). VCF-style: chr5-126575459-C-G. GRCh37 (hg19) VCF-style: chr5-125911151-C-G.
Other names: c.572G>C, p.Gly191Ala (NM_001201377.2); c.656G>C, p.Gly219Ala (NM_001202404.2); short protein forms G219A, G191A.
Identifiers: ClinVar variation 651528 (VCV000651528.7), dbSNP rs202084501, ClinGen allele CA3389698.